The following is an entry in ClinVar:

ClinVar aggregate classification (germline): Uncertain significance (1 of 4 stars; one submission).

Submission:

Labcorp Genetics (formerly Invitae), Labcorp
Classification: Uncertain significance. Last evaluated: 2022-05-05. Review status: criteria provided, single submitter. Criteria: Invitae Variant Classification Sherloc (09022015). Collection method: clinical testing. Allele origin: germline.
Comment: This variant is not present in population databases (gnomAD no frequency). This variant has not been reported in the literature in individuals affected with MSH3-related conditions. Algorithms developed to predict the effect of missense changes on protein structure and function (SIFT, PolyPhen-2, Align-GVGD) all suggest that this variant is likely to be disruptive. In summary, the available evidence is currently insufficient to determine the role of this variant in disease. Therefore, it has been classified as a Variant of Uncertain Significance. This sequence change replaces valine, which is neutral and non-polar, with leucine, which is neutral and non-polar, at codon 298 of the MSH3 protein (p.Val298Leu).

NM_002439.5(MSH3):c.892G>T (p.Val298Leu)

Gene: MSH3 (mutS homolog 3; plus strand). Cytogenetic location: 5q14.1.
Variant type: single nucleotide variant.
Coding change: c.892G>T on transcript NM_002439.5 (MANE Select); coding-DNA position 892, G replaced by T.
Protein change: p.Val298Leu; replaces valine 298 with leucine.
Molecular consequence: missense variant.
Genome position (GRCh38, 1-based): chr5:80,672,343, G>T. VCF-style: chr5-80672343-G-T. GRCh37 (hg19) VCF-style: chr5-79968162-G-T.
Other names: short protein forms V298L.
Identifiers: ClinVar variation 2133969 (VCV002133969.4), dbSNP rs2112813868, ClinGen allele CA360267260.
Genomic context (GRCh38, chr5:80,672,343, plus strand): 5'-CACAACTTTATGACAGCAAGTATACCTACTCACAGACTGTTTGTTCATGTACGCCGCCTG[G>T]TGGCAAAAGGATATAAGGTCAGCTTTGGCTTTAACTTGTGGGGAAAGGAAATTGGGATTC-3'
Protein context (NP_002430.3, residues 288-308): HRLFVHVRRL[Val298Leu]AKGYKVGVVK